The following is an entry in ClinVar:

NM_024642.5(GALNT12):c.314T>A (p.Ile105Asn)

Gene: GALNT12 (polypeptide N-acetylgalactosaminyltransferase 12; plus strand). Cytogenetic location: 9q22.33.
Variant type: single nucleotide variant.
Coding change: c.314T>A on transcript NM_024642.5 (MANE Select); coding-DNA position 314, T replaced by A.
Protein change: p.Ile105Asn; replaces isoleucine 105 with asparagine.
Molecular consequence: missense variant.
Genome position (GRCh38, 1-based): chr9:98,808,012, T>A. VCF-style: chr9-98808012-T-A. GRCh37 (hg19) VCF-style: chr9-101570294-T-A.
Other names: short protein forms I105N.
Identifiers: ClinVar variation 1062917 (VCV001062917.12), dbSNP rs1332254128, ClinGen allele CA374222895.
Genomic context (GRCh38, chr9:98,808,012, plus strand): 5'-AGCTGCAGGGCGAGGAGCTGCGGCTGCAGGAGGAGAGCGTGCGGCTGCACCAGATTAACA[T>A]CTACCTCAGCGACCGCATCTCACTGCACCGCCGCCTGCCCGAGCGCTGGAACCCGCTGTG-3'
Protein context (NP_078918.3, residues 95-115): EESVRLHQIN[Ile105Asn]YLSDRISLHR

ClinVar aggregate classification (germline): Uncertain significance. Review status: criteria provided, multiple submitters, no conflicts (2 of 4 stars). 2 submissions from 2 submitters: Uncertain significance (2). Last evaluated 2024-07-03.

Submissions (2):

Ambry Genetics
Classification: Uncertain significance. Last evaluated: 2024-07-03. Review status: criteria provided, single submitter. Criteria: Ambry Variant Classification Scheme 2023. Collection method: clinical testing. Allele origin: germline.
Comment: The p.I105N variant (also known as c.314T>A), located in coding exon 1 of the GALNT12 gene, results from a T to A substitution at nucleotide position 314. The isoleucine at codon 105 is replaced by asparagine, an amino acid with dissimilar properties. This amino acid position is conserved. In addition, this alteration is predicted to be tolerated by in silico analysis. Since supporting evidence is limited at this time, the clinical significance of this alteration remains unclear.

Labcorp Genetics (formerly Invitae), Labcorp
Classification: Uncertain significance. Last evaluated: 2024-04-17. Review status: criteria provided, single submitter. Criteria: Invitae Variant Classification Sherloc (09022015). Collection method: clinical testing. Allele origin: germline.
Comment: This sequence change replaces isoleucine, which is neutral and non-polar, with asparagine, which is neutral and polar, at codon 105 of the GALNT12 protein (p.Ile105Asn). This variant is not present in population databases (gnomAD no frequency). This variant has not been reported in the literature in individuals affected with GALNT12-related conditions. ClinVar contains an entry for this variant (Variation ID: 1062917). Advanced modeling of protein sequence and biophysical properties (such as structural, functional, and spatial information, amino acid conservation, physicochemical variation, residue mobility, and thermodynamic stability) performed at Invitae indicates that this missense variant is not expected to disrupt GALNT12 protein function with a negative predictive value of 80%. In summary, the available evidence is currently insufficient to determine the role of this variant in disease. Therefore, it has been classified as a Variant of Uncertain Significance.